The following is an entry in ClinVar:

ClinVar aggregate classification (germline): Uncertain significance (1 of 4 stars; one submission).

Conditions:
Arrhythmogenic right ventricular dysplasia 12. Also called: ARRHYTHMOGENIC RIGHT VENTRICULAR DYSPLASIA, FAMILIAL, 12. Identifiers: MedGen C1969081, MONDO:0012684, OMIM 611528.
Naxos disease (NXD). Also called: KERATOSIS PALMOPLANTARIS WITH ARRHYTHMOGENIC CARDIOMYOPATHY; MAL DE NAXOS; PALMOPLANTAR KERATODERMA WITH ARRHYTHMOGENIC RIGHT VENTRICULAR CARDIOMYOPATHY AND WOOLLY HAIR; WOOLLY HAIR, PALMOPLANTAR KERATODERMA, AND CARDIAC ABNORMALITIES; CARDIOMYOPATHY, ARRHYTHMOGENIC RIGHT VENTRICULAR, WITH SKIN, HAIR, AND NAIL ABNORMALITIES. Identifiers: Orphanet 34217, MedGen C1832600, MONDO:0011017, OMIM 601214.

Submission:

Labcorp Genetics (formerly Invitae), Labcorp
Classification: Uncertain significance for Arrhythmogenic right ventricular dysplasia 12; Naxos disease. Last evaluated: 2025-08-24. Review status: criteria provided, single submitter. Criteria: Invitae Variant Classification Sherloc (09022015). Collection method: clinical testing. Allele origin: germline.
Comment: This sequence change affects codon 545 of the JUP mRNA. It is a 'silent' change, meaning that it does not change the encoded amino acid sequence of the JUP protein. This variant is not present in population databases (gnomAD no frequency). This variant has not been reported in the literature in individuals affected with JUP-related conditions. ClinVar contains an entry for this variant (Variation ID: 2941511). Algorithms developed to predict the effect of sequence changes on RNA splicing suggest that this variant may create or strengthen a splice site. In summary, the available evidence is currently insufficient to determine the role of this variant in disease. Therefore, it has been classified as a Variant of Uncertain Significance.

NM_002230.4(JUP):c.1635C>T (p.Gly545=)

Gene: JUP (junction plakoglobin; minus strand). Cytogenetic location: 17q21.2.
Variant type: single nucleotide variant.
Coding change: c.1635C>T on transcript NM_002230.4 (MANE Select); coding-DNA position 1635, C replaced by T.
Protein change: p.Gly545=; no amino-acid change (glycine 545 retained).
Molecular consequence: synonymous variant.
Genome position (GRCh38, 1-based): chr17:41,758,733, G>A on the plus strand (C>T on the coding strand, the complement: JUP is on the minus strand). VCF-style: chr17-41758733-G-A. GRCh37 (hg19) VCF-style: chr17-39914985-G-A.
Other names: c.1635C>T, p.Gly545= (NM_001352773.2, NM_001352774.2, NM_001352775.2 and 3 more transcripts).
Identifiers: ClinVar variation 2941511 (VCV002941511.3), dbSNP rs2544055276, ClinGen allele CA500023067.